The following is an entry in ClinVar:

ClinVar aggregate classification (germline): Pathogenic (1 of 4 stars; one submission).

Conditions:
Hereditary spastic paraplegia 4. Also called: Spastic paraplegia 4, autosomal dominant; Familial spastic paraplegia autosomal dominant 2; Spastic Paraplegia 4. Identifiers: Orphanet 100985, MedGen C1866855, MONDO:0008438, OMIM 182601.

Submission:

Labcorp Genetics (formerly Invitae), Labcorp
Classification: Pathogenic for Hereditary spastic paraplegia 4. Last evaluated: 2022-07-12. Review status: criteria provided, single submitter. Criteria: Invitae Variant Classification Sherloc (09022015). Collection method: clinical testing. Allele origin: germline.
Comment: This sequence change creates a premature translational stop signal (p.Leu131Valfs*5) in the SPAST gene. It is expected to result in an absent or disrupted protein product. Loss-of-function variants in SPAST are known to be pathogenic (PMID: 20932283). This variant is not present in population databases (gnomAD no frequency). This variant has not been reported in the literature in individuals affected with SPAST-related conditions. For these reasons, this variant has been classified as Pathogenic.

Literature cited by the submitters: PubMed 20932283.

NM_014946.4(SPAST):c.390_391delinsGGT (p.Leu131fs)

Gene: SPAST (spastin; plus strand). Cytogenetic location: 2p22.3.
Variant type: Indel.
Coding change: c.390_391delinsGGT on transcript NM_014946.4 (MANE Select); coding-DNA positions 390 to 391, CC replaced by GGT.
Protein change: p.Leu131fs; shifts the reading frame from leucine 131.
Molecular consequence: frameshift variant.
Genome position (GRCh38, 1-based): chr2:32,064,221-32,064,222, CC replaced by GGT. VCF-style: chr2-32064221-CC-GGT. GRCh37 (hg19) VCF-style: chr2-32289290-CC-GGT.
Other names: c.390_391delinsGGT, p.Leu131fs (NM_001363823.2, NM_001363875.2, NM_001377959.1 and 1 more transcripts); short protein forms L131fs.
Identifiers: ClinVar variation 409034 (VCV000409034.4), dbSNP rs1060502230, ClinGen allele CA16610759.